The following is an entry in ClinVar:

NM_001377540.1(SLMAP):c.352C>T (p.His118Tyr)

Gene: SLMAP (sarcolemma associated protein; plus strand). Cytogenetic location: 3p14.3.
Variant type: single nucleotide variant.
Coding change: c.352C>T on transcript NM_001377540.1 (MANE Select); coding-DNA position 352, C replaced by T.
Protein change: p.His118Tyr; replaces histidine 118 with tyrosine.
Molecular consequence: missense variant. On other transcripts: non-coding transcript variant (1).
Genome position (GRCh38, 1-based): chr3:57,841,304, C>T. VCF-style: chr3-57841304-C-T. GRCh37 (hg19) VCF-style: chr3-57827031-C-T.
Other names: c.352C>T, p.His118Tyr (NM_001304420.3, NM_001304421.2, NM_001377538.1 and 17 more transcripts); short protein forms H118Y.
Identifiers: ClinVar variation 3320575 (VCV003320575.1).

ClinVar aggregate classification (germline): Uncertain significance (1 of 4 stars; one submission).

gnomAD v4.1: 1 of 1,594,748 alleles (0.000063%); highest among the groups gnomAD compares: Admixed American, 0.0017%; no homozygotes.

Submission:

Ambry Genetics
Classification: Uncertain significance. Last evaluated: 2024-05-21. Review status: criteria provided, single submitter. Criteria: Ambry Variant Classification Scheme 2023. Collection method: clinical testing. Allele origin: germline.
Comment: The p.H118Y variant (also known as c.352C>T), located in coding exon 3 of the SLMAP gene, results from a C to T substitution at nucleotide position 352. The histidine at codon 118 is replaced by tyrosine, an amino acid with similar properties. This amino acid position is conserved. In addition, the in silico prediction for this alteration is inconclusive. Based on the available evidence, the clinical significance of this variant remains unclear.